The following is an entry in ClinVar:

ClinVar aggregate classification (germline): Pathogenic (1 of 4 stars; one submission).

Conditions:
Familial thoracic aortic aneurysm and aortic dissection (TAAD). Also called: Thoracic aortic aneurysms and dissections. Identifiers: Orphanet 91387, MedGen C4707243, MONDO:0019625.
Marfan syndrome (MFS). Also called: MARFAN SYNDROME, TYPE I; Marfan syndrome type 1; Marfan's syndrome; Marfan syndrome, classic; FBN1-Related Marfan Syndrome. Identifiers: Orphanet 284963, Orphanet 558, MedGen C0024796, MONDO:0007947, OMIM 154700.

Submission:

Labcorp Genetics (formerly Invitae), Labcorp
Classification: Pathogenic for Marfan syndrome; Familial thoracic aortic aneurysm and aortic dissection. Last evaluated: 2022-05-12. Review status: criteria provided, single submitter. Criteria: Invitae Variant Classification Sherloc (09022015). Collection method: clinical testing. Allele origin: germline.
Comment: For these reasons, this variant has been classified as Pathogenic. This premature translational stop signal has been observed in individual(s) with clinical features of Marfan syndrome (PMID: 25053872). This variant is not present in population databases (gnomAD no frequency). This sequence change creates a premature translational stop signal (p.Asn741Thrfs*31) in the FBN1 gene. It is expected to result in an absent or disrupted protein product. Loss-of-function variants in FBN1 are known to be pathogenic (PMID: 17657824, 19293843).

Literature cited by the submitters: PubMed 25053872; PubMed 17657824; PubMed 19293843.

NM_000138.5(FBN1):c.2222del (p.Asn741fs)

Gene: FBN1 (fibrillin 1; minus strand). Cytogenetic location: 15q21.1.
Variant type: Deletion.
Coding change: c.2222del on transcript NM_000138.5 (MANE Select); coding-DNA position 2222, one base deleted (A; older notation c.2222delA).
Protein change: p.Asn741fs; shifts the reading frame from asparagine 741.
Molecular consequence: frameshift variant.
Genome position (GRCh38, 1-based): chr15:48,497,337, T deleted on the plus strand (A on the coding strand, the reverse complement: FBN1 is on the minus strand); the first of 4 consecutive T bases (chr15:48,497,337-48,497,340); deleting any one gives the same sequence. VCF-style (leftmost placement, unchanged base first): chr15-48497336-GT-G. GRCh37 (hg19) VCF-style: chr15-48789533-GT-G.
Other names: c.2219delA, p.Asn741Thrfs (NM_001406716.1); short protein forms N741fs.
Identifiers: ClinVar variation 2137704 (VCV002137704.4), dbSNP rs2505576300, ClinGen allele CA2580089658.
Genomic context (GRCh38, chr15:48,497,336, plus strand): 5'-TTTCCCAGTTGAATCCACTTCATATCCTGAATTGCATATACATTTATAGGTCCCACGAAG[GT>G]TTTCACAGATTCCATTTGGGCAAATATCAGGATCTAGTGCACATTCATTTATATCTGCAC-3'